The following is an entry in ClinVar:

NM_006506.5(RASA2):c.244T>G (p.Ser82Ala)

Gene: RASA2 (RAS p21 protein activator 2; plus strand). Cytogenetic location: 3q23.
Variant type: single nucleotide variant.
Coding change: c.244T>G on transcript NM_006506.5 (MANE Select); coding-DNA position 244, T replaced by G.
Protein change: p.Ser82Ala; replaces serine 82 with alanine.
Molecular consequence: missense variant.
Genome position (GRCh38, 1-based): chr3:141,512,273, T>G. VCF-style: chr3-141512273-T-G. GRCh37 (hg19) VCF-style: chr3-141231115-T-G.
Other names: c.244T>G, p.Ser82Ala (NM_001303245.3, NM_001303246.3); short protein forms S82A.
Identifiers: ClinVar variation 4862983 (VCV004862983.1).
Genomic context (GRCh38, chr3:141,512,273, plus strand): 5'-TGTTTCTGTACCATAAATTTGGACCAGGAAGAAGTTTATCGTACCCAAGTTGTGGAAAAA[T>G]CTTTAAGGTTGGTAGAAAAAATTGGTAAATTATAATTTTTACTATATAGATTGGTAAATA-3'
Protein context (NP_006497.2, residues 72-92): EVYRTQVVEK[Ser82Ala]LSPFFSEEFY

ClinVar aggregate classification (germline): Uncertain significance (1 of 4 stars; one submission).

Submission:

Ambry Genetics
Classification: Uncertain significance. Last evaluated: 2026-03-21. Review status: criteria provided, single submitter. Criteria: Ambry Variant Classification Scheme 2023. Collection method: clinical testing. Allele origin: germline.
Comment: The p.S82A variant (also known as c.244T>G), located in coding exon 2 of the RASA2 gene, results from a T to G substitution at nucleotide position 244. The serine at codon 82 is replaced by alanine, an amino acid with similar properties. This amino acid position is conserved. In addition, this alteration is predicted to be tolerated by in silico analysis. Based on the available evidence, the clinical significance of this variant remains unclear.